The following is an entry in ClinVar:

ClinVar aggregate classification (germline): Uncertain significance (1 of 4 stars; one submission).

Conditions:
Cardiovascular phenotype. Identifiers: MedGen CN230736.

gnomAD v4.1: 1 of 1,613,140 alleles (0.000062%); no homozygotes.

Submission:

Ambry Genetics
Classification: Uncertain significance for Cardiovascular phenotype. Last evaluated: 2017-01-20. Review status: criteria provided, single submitter. Criteria: Ambry Variant Classification Scheme 2023. Collection method: clinical testing. Allele origin: germline.
Comment: The c.-4T>A variant is located in the 5' untranslated region (5&rsquo; UTR) of the PLN gene. This variant results from a T to A substitution 4 bases upstream from the first translated codon. This nucleotide position is not well conserved in available vertebrate species, and A is the reference nucleotide in other vertebrate species. Since supporting evidence is limited at this time, the clinical significance of this alteration remains unclear.

NM_002667.5(PLN):c.-4T>A

Genes: CEP85L (centrosomal protein 85 like; minus strand), PLN (phospholamban; plus strand). Cytogenetic location: 6q22.31.
Variant type: single nucleotide variant.
Coding change: c.-4T>A on transcript NM_002667.5 (MANE Select); 4 bases upstream of the start codon, T replaced by A.
Molecular consequence: 5 prime UTR variant. On other transcripts: intron variant (3).
Genome position (GRCh38, 1-based): chr6:118,558,918, T>A. VCF-style: chr6-118558918-T-A. GRCh37 (hg19) VCF-style: chr6-118880081-T-A.
Other names: c.1029+6611A>T (NM_001178035.2); c.1020+6611A>T (NM_001042475.3, NM_206921.3).
Identifiers: ClinVar variation 520337 (VCV000520337.5), dbSNP rs749900271, ClinGen allele CA658796810.
Genomic context (GRCh38, chr6:118,558,918, plus strand): 5'-GCTGCCAGCTTTTTATCTTTCTCTCGACCACTTAAAACTTCAGACTTCCTGTCCTGCTGG[T>A]ATCATGGAGAAAGTCCAATACCTCACTCGCTCAGCTATAAGAAGAGCCTCAACCATTGAA-3'